The following is an entry in ClinVar:

NM_001282531.3(ADNP):c.191del (p.Thr64fs)

Gene: ADNP (activity dependent neuroprotector homeobox; minus strand). Cytogenetic location: 20q13.13.
Variant type: Deletion.
Coding change: c.191del on transcript NM_001282531.3 (MANE Select); coding-DNA position 191, one base deleted (C; older notation c.191delC).
Protein change: p.Thr64fs; shifts the reading frame from threonine 64.
Molecular consequence: frameshift variant. On other transcripts: 5 prime UTR variant (1).
Genome position (GRCh38, 1-based): chr20:50,902,027, G deleted on the plus strand (C on the coding strand, the reverse complement: ADNP is on the minus strand). VCF-style (leftmost placement, unchanged base first): chr20-50902026-CG-C. GRCh37 (hg19) VCF-style: chr20-49518563-CG-C.
Other names: c.191del, p.Thr64fs (NM_001282532.2, NM_001347511.2, NM_015339.5 and 1 more transcripts); c.407del, p.Thr136fs (NM_001439000.1); c.-494del (NM_001439001.1); short protein forms T136fs, T64fs.
Identifiers: ClinVar variation 4880656 (VCV004880656.2).

ClinVar aggregate classification (germline): Likely pathogenic (1 of 4 stars; one submission).

Submission:

Dasa
Classification: Likely pathogenic. Last evaluated: 2025-02-06. Review status: criteria provided, single submitter. Criteria: DASA Assertion Criteria. Collection method: clinical testing. Allele origin: germline.
Comment: NM_001282531.3(ADNP):c.191del (p.Thr64Argfs*97) is a frameshift variant in ADNP predicted to alter the reading frame and introduce a premature termination codon and is predicted to result in an absent or altered protein product. Loss of function is an established disease mechanism for ADNP (PMID: 24531329; PMID: 25533962). Also, this variant is absent from population databases. Based on the currently available evidence, this variant is classified as likely pathogenic.

Literature cited by the submitters: PubMed 24531329; PubMed 25533962.